The following is an entry in ClinVar:

NM_005188.4(CBL):c.463T>C (p.Ser155Pro)

Gene: CBL (Cbl proto-oncogene; plus strand). Cytogenetic location: 11q23.3.
Variant type: single nucleotide variant.
Coding change: c.463T>C on transcript NM_005188.4 (MANE Select); coding-DNA position 463, T replaced by C.
Protein change: p.Ser155Pro; replaces serine 155 with proline.
Molecular consequence: missense variant.
Genome position (GRCh38, 1-based): chr11:119,271,754, T>C. VCF-style: chr11-119271754-T-C. GRCh37 (hg19) VCF-style: chr11-119142464-T-C.
Other names: short protein forms S155P.
Identifiers: ClinVar variation 3827842 (VCV003827842.1).

ClinVar aggregate classification (germline): Uncertain significance (1 of 4 stars; one submission).

Conditions:
Cardiovascular phenotype. Identifiers: MedGen CN230736.

Submission:

Ambry Genetics
Classification: Uncertain significance for Cardiovascular phenotype. Last evaluated: 2025-02-09. Review status: criteria provided, single submitter. Criteria: Ambry Variant Classification Scheme 2023. Collection method: clinical testing. Allele origin: germline.
Comment: The p.S155P variant (also known as c.463T>C), located in coding exon 3 of the CBL gene, results from a T to C substitution at nucleotide position 463. The serine at codon 155 is replaced by proline, an amino acid with similar properties. This amino acid position is conserved. In addition, this alteration is predicted to be deleterious by in silico analysis. Based on the available evidence, the clinical significance of this variant remains unclear.